The following is an entry in ClinVar:

NM_003873.7(NRP1):c.1009A>G (p.Thr337Ala)

Gene: NRP1 (neuropilin 1; minus strand). Cytogenetic location: 10p11.22.
Variant type: single nucleotide variant.
Coding change: c.1009A>G on transcript NM_003873.7 (MANE Select); coding-DNA position 1009, A replaced by G.
Protein change: p.Thr337Ala; replaces threonine 337 with alanine.
Molecular consequence: missense variant. On other transcripts: non-coding transcript variant (1).
Genome position (GRCh38, 1-based): chr10:33,226,262, T>C on the plus strand (A>G on the coding strand, the complement: NRP1 is on the minus strand). VCF-style: chr10-33226262-T-C. GRCh37 (hg19) VCF-style: chr10-33515190-T-C.
Other names: c.1009A>G, p.Thr337Ala (NM_001024628.3, NM_001024629.3, NM_001244972.2 and 2 more transcripts); short protein forms T337A.
Identifiers: ClinVar variation 2374679 (VCV002374679.7), dbSNP rs367928513, ClinGen allele CA5466761.

ClinVar aggregate classification (germline): Uncertain significance. Review status: criteria provided, multiple submitters, no conflicts (2 of 4 stars). 2 submissions from 2 submitters: Uncertain significance (2). Last evaluated 2026-02-13.

Conditions:
NRP1-related disorder. Also called: NRP1-related condition.

Allele frequency attached by ClinVar (database versions not stated): ExAC 0.00006; TOPMed 0.00010; gnomAD 0.00011; ESP Exome Variant Server 0.00015.
gnomAD v4.1: 396 of 1,613,944 alleles (0.025%); highest among the groups gnomAD compares: Non-Finnish European, 0.032%; no homozygotes.

Submissions (2):

PreventionGenetics, part of Exact Sciences
Classification: Uncertain significance for NRP1-related condition. Last evaluated: 2026-02-13. Review status: criteria provided, single submitter. Criteria: ACMG Guidelines, 2015. Collection method: clinical testing. Allele origin: germline.
Comment: The NRP1 c.1009A>G variant is predicted to result in the amino acid substitution p.Thr337Ala. To our knowledge, this variant has not been reported in the literature. This variant is reported in 0.012% of alleles in individuals of European (Non-Finnish) descent in gnomAD. At this time, the clinical significance of this variant is uncertain due to the absence of conclusive functional and genetic evidence.

Ambry Genetics
Classification: Uncertain significance. Last evaluated: 2025-03-26. Review status: criteria provided, single submitter. Criteria: Ambry Variant Classification Scheme 2023. Collection method: clinical testing. Allele origin: germline.